The following is an entry in ClinVar:

ClinVar aggregate classification (germline): Pathogenic (1 of 4 stars; one submission).

Conditions:
Joubert syndrome 23 (JBTS23). Identifiers: Orphanet 475, MedGen C4084822, MONDO:0014664, OMIM 616490.
Short-rib thoracic dysplasia 14 with polydactyly (SRTD14). Identifiers: Orphanet 397715, MedGen C4225286, MONDO:0014688, OMIM 616546.

Submission:

Labcorp Genetics (formerly Invitae), Labcorp
Classification: Pathogenic for Joubert syndrome 23; Short-rib thoracic dysplasia 14 with polydactyly. Last evaluated: 2023-10-09. Review status: criteria provided, single submitter. Criteria: Invitae Variant Classification Sherloc (09022015). Collection method: clinical testing. Allele origin: germline.
Comment: This variant is a gross deletion of the genomic region encompassing exon(s) 8-10 of the KIAA0586 gene. This deletion is out-of-frame, and is expected to create a premature termination codon and result in an absent or disrupted protein product. Loss-of-function variants in KIAA0586 are known to be pathogenic (PMID: 26096313, 26166481, 26386044). A similar copy number variant has been observed in individuals with Joubert syndrome (PMID: 26386044). For these reasons, this variant has been classified as Pathogenic.

Literature cited by the submitters: PubMed 26096313; PubMed 26166481; PubMed 26386044.

NC_000014.9:g.(?_58443934)_(58450766_?)del

Gene: KIAA0586 (KIAA0586; plus strand). Cytogenetic location: 14q23.1.
Variant type: Deletion.
Identifiers: ClinVar variation 583841 (VCV000583841.7).